The following is an entry in ClinVar:

ClinVar aggregate classification (germline): Uncertain significance. Review status: criteria provided, multiple submitters, no conflicts (2 of 4 stars). 3 submissions from 3 submitters: Uncertain significance (3). Last evaluated 2025-11-19.

Conditions:
Wilms tumor 1 (WT1). Also called: Wilms tumor, somatic. Identifiers: Orphanet 654, MedGen CN033288, MONDO:0008679, OMIM 194070.
Inborn genetic diseases. Identifiers: MedGen C0950123, MeSH D030342.

Allele frequency attached by ClinVar (database versions not stated): gnomAD exomes below 0.00001.

Submissions (3):

Ambry Genetics
Classification: Uncertain significance for Inborn genetic diseases. Last evaluated: 2025-11-19. Review status: criteria provided, single submitter. Criteria: Ambry Variant Classification Scheme 2023. Collection method: clinical testing. Allele origin: germline.

Labcorp Genetics (formerly Invitae), Labcorp
Classification: Uncertain significance for Wilms tumor 1. Last evaluated: 2025-06-02. Review status: criteria provided, single submitter. Criteria: Invitae Variant Classification Sherloc (09022015). Collection method: clinical testing. Allele origin: germline.
Comment: This sequence change replaces aspartic acid, which is acidic and polar, with tyrosine, which is neutral and polar, at codon 189 of the GPC3 protein (p.Asp189Tyr). This variant is not present in population databases (gnomAD no frequency). This variant has not been reported in the literature in individuals affected with GPC3-related conditions. ClinVar contains an entry for this variant (Variation ID: 648170). An algorithm developed to predict the effect of missense changes on protein structure and function (PolyPhen-2) suggests that this variant is likely to be tolerated. In summary, the available evidence is currently insufficient to determine the role of this variant in disease. Therefore, it has been classified as a Variant of Uncertain Significance.

Greenwood Genetic Center Diagnostic Laboratories, Greenwood Genetic Center
Classification: Uncertain significance. Last evaluated: 2023-07-27. Review status: criteria provided, single submitter. Criteria: ACMG Guidelines, 2015. Collection method: clinical testing. Allele origin: germline. Affected: yes.
Comment: PM2

NM_004484.4(GPC3):c.565G>T (p.Asp189Tyr)

Gene: GPC3 (glypican 3; minus strand). Cytogenetic location: Xq26.2.
Variant type: single nucleotide variant.
Coding change: c.565G>T on transcript NM_004484.4 (MANE Select); coding-DNA position 565, G replaced by T.
Protein change: p.Asp189Tyr; replaces aspartic acid 189 with tyrosine.
Molecular consequence: missense variant.
Genome position (GRCh38, 1-based): chrX:133,753,949, C>A on the plus strand (G>T on the coding strand, the complement: GPC3 is on the minus strand). VCF-style: chrX-133753949-C-A. GRCh37 (hg19) VCF-style: chrX-132887976-C-A.
Other names: c.565G>T, p.Asp189Tyr (NM_001164617.2); c.517G>T, p.Asp173Tyr (NM_001164618.2); c.403G>T, p.Asp135Tyr (NM_001164619.2); short protein forms D135Y, D189Y, D173Y.
Identifiers: ClinVar variation 648170 (VCV000648170.11), dbSNP rs900143355, ClinGen allele CA335981515.